The following is an entry in ClinVar:

ClinVar aggregate classification (germline): Uncertain significance (1 of 4 stars; one submission).

Submission:

GeneDx
Classification: Uncertain significance. Last evaluated: 2025-03-06. Review status: criteria provided, single submitter. Criteria: GeneDx Variant Classification Process June 2021. Collection method: clinical testing. Allele origin: germline. Affected: yes.
Comment: Not observed at significant frequency in large population cohorts (gnomAD); In silico analysis indicates that this missense variant does not alter protein structure/function; Has not been previously published as pathogenic or benign to our knowledge

NM_006950.3(SYN1):c.1292G>T (p.Gly431Val)

Gene: SYN1 (synapsin I; minus strand). Cytogenetic location: Xp11.3.
Variant type: single nucleotide variant.
Coding change: c.1292G>T on transcript NM_006950.3 (MANE Select); coding-DNA position 1292, G replaced by T.
Protein change: p.Gly431Val; replaces glycine 431 with valine.
Molecular consequence: missense variant.
Genome position (GRCh38, 1-based): chrX:47,575,141, C>A on the plus strand (G>T on the coding strand, the complement: SYN1 is on the minus strand). VCF-style: chrX-47575141-C-A. GRCh37 (hg19) VCF-style: chrX-47434540-C-A.
Other names: c.1292G>T, p.Gly431Val (NM_133499.2); short protein forms G431V.
Identifiers: ClinVar variation 4082744 (VCV004082744.1).